The following is an entry in ClinVar:

ClinVar aggregate classification (germline): Uncertain significance. Review status: criteria provided, single submitter (1 of 4 stars). 2 submissions from 2 submitters: Uncertain significance (1). 1 of the submissions does not count toward it. Last evaluated 2024-07-30.

Conditions:
RUNX2-related disorder. Also called: RUNX2-related condition.

Submissions (2):

Labcorp Genetics (formerly Invitae), Labcorp
Classification: Uncertain significance. Last evaluated: 2024-07-30. Review status: criteria provided, single submitter. Criteria: Invitae Variant Classification Sherloc (09022015). Collection method: clinical testing. Allele origin: germline.
Comment: This variant, c.186_194dup, results in the insertion of 3 amino acid(s) of the RUNX2 protein (p.Gln69_Gln71dup), but otherwise preserves the integrity of the reading frame. The frequency data for this variant in the population databases is considered unreliable, as metrics indicate poor data quality at this position in the gnomAD database. This variant has not been reported in the literature in individuals affected with RUNX2-related conditions. In summary, the available evidence is currently insufficient to determine the role of this variant in disease. Therefore, it has been classified as a Variant of Uncertain Significance.

PreventionGenetics, part of Exact Sciences
Classification: Uncertain significance for RUNX2-related condition. Last evaluated: 2024-09-14. Review status: no assertion criteria provided. Collection method: clinical testing. Allele origin: germline. Not counted in ClinVar's aggregate classification.
Comment: The RUNX2 c.186_194dup9 variant is predicted to result in an in-frame duplication (p.Gln69_Gln71dup). To our knowledge, this variant has not been reported in the literature. This variant is reported in 0.0053% of alleles in individuals of European (Non-Finnish) descent in gnomAD. At this time, the clinical significance of this variant is uncertain due to the absence of conclusive functional and genetic evidence.

NM_001024630.4(RUNX2):c.177GCA[9] (p.Gln71_Glu72insGlnGlnGln)

Genes: RUNX2 (RUNX family transcription factor 2; plus strand), LOC109611589 (runt related transcription factor 2 polyalanine expansion region; plus strand). Cytogenetic location: 6p21.1.
Variant type: Microsatellite.
Coding change: c.177GCA[9] on transcript NM_001024630.4 (MANE Select); nine copies in a row of the 3-base unit GCA starting at c.177; the reference has six copies in a row; three copies, 9 bases duplicated.
Protein change: p.Gln71_Glu72insGlnGlnGln.
Molecular consequence: inframe insertion. On other transcripts: inframe indel (1).
Genome position (GRCh38, 1-based): chr6:45,422,720-45,422,728, GCAGCAGCA duplicated; duplicating any 9 consecutive bases within chr6:45,422,709-45,422,728 gives the same sequence; the position shown is the placement nearest the transcript's 3' end. VCF-style (leftmost placement, unchanged base first): chr6-45422708-A-ACAGCAGCAG. GRCh37 (hg19) VCF-style: chr6-45390445-A-ACAGCAGCAG.
Other names: c.186_194dup9 (NM_001024630.3); c.177GCA[9], p.Gln71_Glu72insGlnGlnGln (NM_001015051.4); c.135GCA[9], p.Gln57_Glu58insGlnGlnGln (NM_001278478.2, NM_001369405.1); c.135_137GCA[9], p.Gln57_Glu58insGlnGlnGln (NM_004348.3).
Identifiers: ClinVar variation 2883924 (VCV002883924.4), dbSNP rs759395776, ClinGen allele CA3836289.